The following is an entry in ClinVar:

ClinVar aggregate classification (germline): Conflicting classifications of pathogenicity. Review status: criteria provided, conflicting classifications (1 of 4 stars). 2 submissions from 2 submitters: Uncertain significance (1); Likely benign (1). Last evaluated 2022-04-29.

Conditions:
Neuronal ceroid lipofuscinosis 11. Also called: GRN-Related Neuronal Ceroid-Lipofuscinosis. Identifiers: Orphanet 314629, Orphanet 79262, MedGen C3539123, MONDO:0013866, OMIM 614706.
GRN-related frontotemporal lobar degeneration with Tdp43 inclusions (FTD2). Also called: FRONTOTEMPORAL DEMENTIA WITH TDP43 INCLUSIONS, GRN-RELATED; DEMENTIA, HEREDITARY DYSPHASIC DISINHIBITION; FRONTOTEMPORAL LOBAR DEGENERATION WITH UBIQUITIN-POSITIVE INCLUSIONS; FTLD-TDP, GRN-RELATED; GRN Frontotemporal Dementia. Identifiers: Orphanet 100070, Orphanet 282, MedGen C1843792, MONDO:0011842, OMIM 607485. Disease mechanism: loss of function.

Allele frequency attached by ClinVar (database versions not stated): gnomAD exomes below 0.00001 and 0.00001; gnomAD 0.00001; ExAC 0.00002.
gnomAD v4.1: 5 of 1,613,282 alleles (0.00031%); highest among the groups gnomAD compares: East Asian, 0.0089%; no homozygotes.

Submissions (3):

Labcorp Genetics (formerly Invitae), Labcorp
Classification: Uncertain significance for Neuronal ceroid lipofuscinosis 11; GRN-related frontotemporal lobar degeneration with Tdp43 inclusions. Last evaluated: 2022-04-29. Review status: criteria provided, single submitter. Criteria: Invitae Variant Classification Sherloc (09022015). Collection method: clinical testing. Allele origin: germline.
Comment: In summary, the available evidence is currently insufficient to determine the role of this variant in disease. Therefore, it has been classified as a Variant of Uncertain Significance. Algorithms developed to predict the effect of sequence changes on RNA splicing suggest that this variant may create or strengthen a splice site. Algorithms developed to predict the effect of missense changes on protein structure and function are either unavailable or do not agree on the potential impact of this missense change (SIFT: "Deleterious"; PolyPhen-2: "Benign"; Align-GVGD: "Class C0"). ClinVar contains an entry for this variant (Variation ID: 888742). This variant has not been reported in the literature in individuals affected with GRN-related conditions. This variant is present in population databases (rs751072702, gnomAD 0.02%). This sequence change replaces glycine, which is neutral and non-polar, with arginine, which is basic and polar, at codon 453 of the GRN protein (p.Gly453Arg).

Illumina Laboratory Services, Illumina
Classification: Likely benign for GRN-related frontotemporal lobar degeneration with Tdp43 inclusions. Last evaluated: 2018-01-12. Review status: criteria provided, single submitter. Criteria: ICSL Variant Classification Criteria 13 December 2019. Collection method: clinical testing. Allele origin: germline.
Comment: This variant was observed in the ICSL laboratory as part of a predisposition screen in an ostensibly healthy population. It had not been previously curated by ICSL or reported in the Human Gene Mutation Database (HGMD: prior to June 1st, 2018), and was therefore a candidate for classification through an automated scoring system. Utilizing variant allele frequency, disease prevalence and penetrance estimates, and inheritance mode, an automated score was calculated to assess if this variant is too frequent to cause the disease. Based on the score and internal cut-off values, a variant classified as likely benign is not then subjected to further curation. The score for this variant resulted in a classification of likely benign for this disease.

Dr. Peter K. Rogan Lab, Western University
No classification provided (evidence only). Condition: Gastric cancer. Review status: no classification provided. Collection method: in vitro. Allele origin: not applicable. Functional consequence: retained intron. Not counted in ClinVar's aggregate classification.

NM_002087.4(GRN):c.1357G>A (p.Gly453Arg)

Gene: GRN (granulin precursor; plus strand). Cytogenetic location: 17q21.31.
Variant type: single nucleotide variant.
Coding change: c.1357G>A on transcript NM_002087.4 (MANE Select); coding-DNA position 1357, G replaced by A.
Protein change: p.Gly453Arg; replaces glycine 453 with arginine.
Molecular consequence: missense variant.
Genome position (GRCh38, 1-based): chr17:44,352,192, G>A. VCF-style: chr17-44352192-G-A. GRCh37 (hg19) VCF-style: chr17-42429560-G-A.
Other names: short protein forms G453R.
Identifiers: ClinVar variation 888742 (VCV000888742.13), dbSNP rs751072702, ClinGen allele CA8602180.